The following is an entry in ClinVar:

NM_024426.6(WT1):c.488G>A (p.Ser163Asn)

Genes: WT1 (WT1 transcription factor; minus strand), LOC107982234 (WT1/WT1-AS bi-directional promoter region; plus strand). Cytogenetic location: 11p13.
Variant type: single nucleotide variant.
Coding change: c.488G>A on transcript NM_024426.6 (MANE Select); coding-DNA position 488, G replaced by A.
Protein change: p.Ser163Asn; replaces serine 163 with asparagine.
Molecular consequence: missense variant. On other transcripts: non-coding transcript variant (1).
Genome position (GRCh38, 1-based): chr11:32,434,873, C>T on the plus strand (G>A on the coding strand, the complement: WT1 is on the minus strand). VCF-style: chr11-32434873-C-T. GRCh37 (hg19) VCF-style: chr11-32456419-C-T.
Other names: c.488G>A, p.Ser163Asn (NM_000378.6, NM_024424.5); short protein forms S163N.
Identifiers: ClinVar variation 1365771 (VCV001365771.6), dbSNP rs1853444119, ClinGen allele CA379964906.

ClinVar aggregate classification (germline): Uncertain significance (1 of 4 stars; one submission).

Conditions:
Drash syndrome (DDS). Also called: WILMS TUMOR AND PSEUDO- OR TRUE HERMAPHRODITISM; NEPHROPATHY, WILMS TUMOR, AND GENITAL ANOMALIES. Identifiers: Orphanet 220, MedGen C0950121, MONDO:0008682, OMIM 194080.
Frasier syndrome. Identifiers: Orphanet 347, MedGen C0950122, MeSH D052159, MONDO:0007635, OMIM 136680.
Wilms tumor 1 (WT1). Also called: Wilms tumor, somatic. Identifiers: Orphanet 654, MedGen CN033288, MONDO:0008679, OMIM 194070.
11p partial monosomy syndrome (WAGR). Also called: CHROMOSOME 11p13 DELETION SYNDROME; WAGR Complex; WAGR syndrome; WAGR Spectrum Disorder. Identifiers: Orphanet 893, MedGen C0206115, MONDO:0008681, OMIM 194072.

Submission:

Labcorp Genetics (formerly Invitae), Labcorp
Classification: Uncertain significance for Wilms tumor 1; Drash syndrome; 11p partial monosomy syndrome; Frasier syndrome. Last evaluated: 2021-07-29. Review status: criteria provided, single submitter. Criteria: Invitae Variant Classification Sherloc (09022015). Collection method: clinical testing. Allele origin: germline.
Comment: In summary, the available evidence is currently insufficient to determine the role of this variant in disease. Therefore, it has been classified as a Variant of Uncertain Significance. Algorithms developed to predict the effect of missense changes on protein structure and function are either unavailable or do not agree on the potential impact of this missense change (SIFT: "Deleterious"; PolyPhen-2: "Benign"; Align-GVGD: "Class C45"). This variant has not been reported in the literature in individuals affected with WT1-related conditions. This variant is not present in population databases (ExAC no frequency). This sequence change replaces serine with asparagine at codon 158 of the WT1 protein (p.Ser158Asn). The serine residue is highly conserved and there is a small physicochemical difference between serine and asparagine.